The following is an entry in ClinVar:

NC_000005.10:g.10356407_10356411ATTTT[628]ATTTC[390]ATTTT[1]

Gene: MARCHF6 (membrane associated ring-CH-type finger 6; plus strand). Cytogenetic location: 5p15.2.
Variant type: Microsatellite.
Genome position: GRCh38: chr5:10,356,407-10,356,411. GRCh37 (hg19): chr5:10,356,519-10,356,523.
Identifiers: ClinVar variation 635281 (VCV000635281.2), ClinGen allele CA915943305.

ClinVar aggregate classification (germline): Pathogenic (0 of 4 stars; one submission).

Conditions:
Epilepsy, familial adult myoclonic, 3. Also called: CORTICAL MYOCLONIC TREMOR WITH EPILEPSY, FAMILIAL, 3; FAME3. Identifiers: Orphanet 86814, MedGen C3150860, MONDO:0013322, OMIM 613608.

Submission:

Institute for Human Genetics, University Hospital Essen
Classification: Pathogenic for Epilepsy, familial adult myoclonic, 3. Last evaluated: 2019-06-21. Review status: no assertion criteria provided. Collection method: research. Allele origin: inherited. Inheritance: Autosomal dominant inheritance. Affected: yes. Observed: 1 heterozygote.
Comment: TTTTA/TTCA expansions at the FAME3 locus (MARCH6 gene) associated with autosomal dominant Familial Adult Myoclonic Epilepsy (also described as Familial Cortical Myoclonic Tremor and Epilepsy) have been reported in four (two French, one Dutch and one German) families.